The following is an entry in ClinVar:

NM_000158.4(GBE1):c.1241dup (p.Ser415fs)

Gene: GBE1 (1,4-alpha-glucan branching enzyme 1; minus strand). Cytogenetic location: 3p12.2.
Variant type: Duplication.
Coding change: c.1241dup on transcript NM_000158.4 (MANE Select); coding-DNA position 1241, one base duplicated (T; older notation c.1241dupT).
Protein change: p.Ser415fs; shifts the reading frame from serine 415.
Molecular consequence: frameshift variant.
Genome position (GRCh38, 1-based): chr3:81,586,186, A duplicated on the plus strand (T on the coding strand, the reverse complement: GBE1 is on the minus strand). VCF-style (leftmost placement, unchanged base first): chr3-81586185-T-TA. GRCh37 (hg19) VCF-style: chr3-81635336-T-TA.
Other names: short protein forms S415fs.
Identifiers: ClinVar variation 4817833 (VCV004817833.2).

ClinVar aggregate classification (germline): Pathogenic/Likely pathogenic. Review status: criteria provided, multiple submitters, no conflicts (2 of 4 stars). 2 submissions from 2 submitters: Pathogenic (1); Likely pathogenic (1). Last evaluated 2026-02-20.

Conditions:
Glycogen storage disease, type IV (GSD4). Also called: BRANCHER DEFICIENCY; AMYLOPECTINOSIS; ANDERSEN DISEASE; CIRRHOSIS, FAMILIAL, WITH DEPOSITION OF ABNORMAL GLYCOGEN; GBE1 DEFICIENCY; GLYCOGEN BRANCHING ENZYME DEFICIENCY. Identifiers: Orphanet 367, MedGen C0017923, MONDO:0009292, OMIM 232500.

Submissions (2):

Myriad Genetics, Inc.
Classification: Pathogenic for Glycogen storage disease, type IV. Last evaluated: 2026-02-20. Review status: criteria provided, single submitter. Criteria: Myriad Autosomal Dominant, Autosomal Recessive and X-Linked Classification Criteria (2023). Collection method: clinical testing. Allele origin: unknown.
Comment: NM_000158.3(GBE1):c.1241dupT(S415Ifs*18) is expected to be pathogenic in the context of glycogen storage disease, GBE1-related. This variant is predicted to lead to an abnormal or absent protein product due to the creation of a premature termination codon in GBE1, a gene where loss-of-function variants are known to be pathogenic. Please note: this variant was assessed in the context of healthy population screening.

Natera, Inc.
Classification: Likely pathogenic for Glycogen storage disease type IV. Last evaluated: 2024-09-27. Review status: criteria provided, single submitter. Criteria: Natera Variant Classification Schema (03/2026). Collection method: clinical testing. Allele origin: germline.
Comment: The c.1241dup variant in GBE1 is a frameshift variant predicted to shift the reading frame beginning at codon 415 and leads to a stop codon 18 codons downstream. This variant is expected to result in nonsense mediated decay, truncation, or a dysfunctional protein product. This variant is rare in the general population with a frequency below the threshold expected for the associated phenotype(s). Given the available evidence, this variant is classified as Likely Pathogenic.